The following is an entry in ClinVar:

NM_001356.5(DDX3X):c.784C>T (p.Arg262Cys)

Gene: DDX3X (DEAD-box helicase 3 X-linked; plus strand). Cytogenetic location: Xp11.4.
Variant type: single nucleotide variant.
Coding change: c.784C>T on transcript NM_001356.5 (MANE Select); coding-DNA position 784, C replaced by T.
Protein change: p.Arg262Cys; replaces arginine 262 with cysteine.
Molecular consequence: missense variant. On other transcripts: non-coding transcript variant (1).
Genome position (GRCh38, 1-based): chrX:41,344,048, C>T. VCF-style: chrX-41344048-C-T. GRCh37 (hg19) VCF-style: chrX-41203301-C-T.
Other names: c.784C>T, p.Arg262Cys (NM_001193416.3); c.736C>T, p.Arg246Cys (NM_001193417.3); c.226C>T, p.Arg76Cys (NM_001363819.1); short protein forms R262C, R76C, R246C.
Identifiers: ClinVar variation 521482 (VCV000521482.30), dbSNP rs1555953406, ClinGen allele CA412770023.

ClinVar aggregate classification (germline): Uncertain significance. Review status: criteria provided, multiple submitters, no conflicts (2 of 4 stars). 4 submissions from 4 submitters: Uncertain significance (4). Last evaluated 2024-02-01.

Conditions:
Inborn genetic diseases. Identifiers: MedGen C0950123, MeSH D030342.

Submissions (4):

CeGaT Center for Human Genetics Tuebingen
Classification: Uncertain significance. Last evaluated: 2024-02-01. Review status: criteria provided, single submitter. Criteria: CeGaT Center For Human Genetics Tuebingen Variant Classification Criteria Version 2. Collection method: clinical testing. Allele origin: germline. Affected: yes. Observed: 1 variant allele.
Comment: DDX3X: PM2, PP2

Labcorp Genetics (formerly Invitae), Labcorp
Classification: Uncertain significance. Last evaluated: 2023-08-03. Review status: criteria provided, single submitter. Criteria: Invitae Variant Classification Sherloc (09022015). Collection method: clinical testing. Allele origin: germline.
Comment: In summary, the available evidence is currently insufficient to determine the role of this variant in disease. Therefore, it has been classified as a Variant of Uncertain Significance. Experimental studies and prediction algorithms are not available or were not evaluated, and the functional significance of this variant is currently unknown. ClinVar contains an entry for this variant (Variation ID: 521482). This variant has not been reported in the literature in individuals affected with DDX3X-related conditions. This variant is not present in population databases (gnomAD no frequency). This sequence change replaces arginine, which is basic and polar, with cysteine, which is neutral and slightly polar, at codon 262 of the DDX3X protein (p.Arg262Cys).

Blueprint Genetics
Classification: Uncertain significance. Last evaluated: 2022-11-01. Review status: criteria provided, single submitter. Criteria: ACMG Guidelines, 2015. Collection method: clinical testing. Allele origin: germline.

Ambry Genetics
Classification: Uncertain significance for Inborn genetic diseases. Last evaluated: 2017-06-19. Review status: criteria provided, single submitter. Criteria: Ambry exome assertion method (8-5-2015). Collection method: clinical testing. Allele origin: germline. Affected: yes. Observed: 1 variant allele.

Literature cited by the submitters: PubMed 26235985 (cited by Ambry Genetics).